The following is an entry in ClinVar:

NM_001844.5(COL2A1):c.3064G>A (p.Val1022Met)

Gene: COL2A1 (collagen type II alpha 1 chain; minus strand). Cytogenetic location: 12q13.11.
Variant type: single nucleotide variant.
Coding change: c.3064G>A on transcript NM_001844.5 (MANE Select); coding-DNA position 3064, G replaced by A.
Protein change: p.Val1022Met; replaces valine 1022 with methionine.
Molecular consequence: missense variant.
Genome position (GRCh38, 1-based): chr12:47,978,057, C>T on the plus strand (G>A on the coding strand, the complement: COL2A1 is on the minus strand). VCF-style: chr12-47978057-C-T. GRCh37 (hg19) VCF-style: chr12-48371840-C-T.
Other names: c.2857G>A, p.Val953Met (NM_033150.3); short protein forms V1022M, V953M.
Identifiers: ClinVar variation 954877 (VCV000954877.13), dbSNP rs199642249, ClinGen allele CA6534905.

ClinVar aggregate classification (germline): Conflicting classifications of pathogenicity. Review status: criteria provided, conflicting classifications (1 of 4 stars). 2 submissions from 2 submitters: Uncertain significance (1); Likely benign (1). Last evaluated 2026-09-15.

Conditions:
COL2A1-related disorder. Also called: COL2A1-related condition; COL2A1-related disorders.

Allele frequency attached by ClinVar (database versions not stated): TOPMed 0.00002; gnomAD 0.00004; 1000 Genomes Project 30x 0.00016; 1000 Genomes Project 0.00020.
gnomAD v4.1: 27 of 1,613,836 alleles (0.0017%); highest among the groups gnomAD compares: Admixed American, 0.0067%; no homozygotes.

Submissions (2):

PreventionGenetics, part of Exact Sciences
Classification: Uncertain significance for COL2A1-related condition. Last evaluated: 2026-09-15. Review status: criteria provided, single submitter. Criteria: ACMG Guidelines, 2015. Collection method: clinical testing. Allele origin: germline.
Comment: The COL2A1 c.3064G>A variant is predicted to result in the amino acid substitution p.Val1022Met. This variant has not been reported in individuals with COL2A1-related skeletal conditions. This variant is reported in 0.0058% of alleles in individuals of Latino descent in gnomAD and has been interpreted as likely benign in ClinVar. This variant may be benign. At this time, the clinical significance of this variant is uncertain due to the absence of conclusive functional and genetic evidence.

Labcorp Genetics (formerly Invitae), Labcorp
Classification: Likely benign. Last evaluated: 2026-01-11. Review status: criteria provided, single submitter. Criteria: Invitae Variant Classification Sherloc (09022015). Collection method: clinical testing. Allele origin: germline.